The following is an entry in ClinVar:

ClinVar aggregate classification (germline): Likely benign. Review status: criteria provided, single submitter (1 of 4 stars). 2 submissions from 2 submitters: Likely benign (1). 1 of the submissions does not count toward it. Last evaluated 2025-12-03.

Conditions:
TSPEAR-related disorder. Also called: TSPEAR-related condition.

Allele frequency attached by ClinVar (database versions not stated): ExAC 0.00021; ESP Exome Variant Server 0.00023.
gnomAD v4.1: 297 of 1,612,152 alleles (0.018%); highest among the groups gnomAD compares: Non-Finnish European, 0.024%; no homozygotes.

Submissions (2):

Labcorp Genetics (formerly Invitae), Labcorp
Classification: Likely benign. Last evaluated: 2025-12-03. Review status: criteria provided, single submitter. Criteria: Invitae Variant Classification Sherloc (09022015). Collection method: clinical testing. Allele origin: germline.

PreventionGenetics, part of Exact Sciences
Classification: Likely benign for TSPEAR-related condition. Last evaluated: 2019-09-05. Review status: no assertion criteria provided. Collection method: clinical testing. Allele origin: germline. Not counted in ClinVar's aggregate classification.
Comment: This variant is classified as likely benign based on ACMG/AMP sequence variant interpretation guidelines (Richards et al. 2015 PMID: 25741868, with internal and published modifications).

NM_144991.3(TSPEAR):c.354G>A (p.Leu118=)

Gene: TSPEAR (thrombospondin type laminin G domain and EAR repeats; minus strand). Cytogenetic location: 21q22.3.
Variant type: single nucleotide variant.
Coding change: c.354G>A on transcript NM_144991.3 (MANE Select); coding-DNA position 354, G replaced by A.
Protein change: p.Leu118=; no amino-acid change (leucine 118 retained).
Molecular consequence: synonymous variant.
Genome position (GRCh38, 1-based): chr21:44,533,873, C>T on the plus strand (G>A on the coding strand, the complement: TSPEAR is on the minus strand). VCF-style: chr21-44533873-C-T. GRCh37 (hg19) VCF-style: chr21-45953756-C-T.
Other names: c.150G>A, p.Leu50= (NM_001272037.2); c.354G>A (NM_144991.2).
Identifiers: ClinVar variation 1538233 (VCV001538233.10), dbSNP rs200243038, ClinGen allele CA10057048.